The following is an entry in ClinVar:

ClinVar aggregate classification (germline): Uncertain significance. Review status: criteria provided, multiple submitters, no conflicts (2 of 4 stars). 2 submissions from 2 submitters: Uncertain significance (2). Last evaluated 2022-03-11.

Conditions:
Paramyotonia congenita of Von Eulenburg. Also called: PARALYSIS PERIODICA PARAMYOTONICA; Paramyotonia Congenita; Eulenburg disease; Myotonia congenita intermittens; Von Eulenburg paramyotonia congenita. Identifiers: Orphanet 684, MedGen C0221055, MONDO:0008195, OMIM 168300. Disease mechanism: loss of function.
Congenital myasthenic syndrome 16. Identifiers: Orphanet 590, MedGen C3280112, MONDO:0013620, OMIM 614198.
Hypokalemic periodic paralysis, type 1. Also called: Hypokalemic Periodic Paralysis Type 1 (AD); HypoPP. Identifiers: Orphanet 681, MedGen C3714580, MONDO:0042979, OMIM 170400.
Potassium-aggravated myotonia. Also called: MYOTONIA CONGENITA, ACETAZOLAMIDE-RESPONSIVE; MYOTONIA CONGENITA, ATYPICAL; SODIUM CHANNEL MUSCLE DISEASE; Myotonia congenita, atypical, acetazolamide-responsive. Identifiers: Orphanet 612, Orphanet 99734, Orphanet 99735, Orphanet 99736, MedGen C2931826, MONDO:0018959, OMIM 608390.
Hypokalemic periodic paralysis, type 2 (HOKPP2). Identifiers: Orphanet 681, MedGen C2750061, MONDO:0013234, OMIM 613345.
Hyperkalemic periodic paralysis. Also called: Familial hyperkalemic periodic paralysis; Gamstorp disease. Identifiers: Orphanet 682, MedGen C0238357, MONDO:0008224, OMIM 170500, HP:0007215.

gnomAD v4.1: 3 of 1,613,764 alleles (0.00019%); highest among the groups gnomAD compares: Non-Finnish European, 0.00017%; no homozygotes.

Submissions (2):

Fulgent Genetics
Classification: Uncertain significance for Paramyotonia congenita of Von Eulenburg; Hypokalemic periodic paralysis, type 1; Hyperkalemic periodic paralysis; Potassium-aggravated myotonia; Hypokalemic periodic paralysis, type 2; Congenital myasthenic syndrome 16. Last evaluated: 2022-03-11. Review status: criteria provided, single submitter. Criteria: ACMG Guidelines, 2015. Collection method: clinical testing. Allele origin: unknown.

Labcorp Genetics (formerly Invitae), Labcorp
Classification: Uncertain significance for Hyperkalemic periodic paralysis. Last evaluated: 2021-05-30. Review status: criteria provided, single submitter. Criteria: Invitae Variant Classification Sherloc (09022015). Collection method: clinical testing. Allele origin: germline.
Comment: This variant is not present in population databases (ExAC no frequency). This sequence change replaces proline with glutamine at codon 904 of the SCN4A protein (p.Pro904Gln). The proline residue is moderately conserved and there is a moderate physicochemical difference between proline and glutamine. This variant has not been reported in the literature in individuals with SCN4A-related conditions. Algorithms developed to predict the effect of missense changes on protein structure and function (SIFT, PolyPhen-2, Align-GVGD) all suggest that this variant is likely to be tolerated, but these predictions have not been confirmed by published functional studies and their clinical significance is uncertain. In summary, the available evidence is currently insufficient to determine the role of this variant in disease. Therefore, it has been classified as a Variant of Uncertain Significance.

NM_000334.4(SCN4A):c.2711C>A (p.Pro904Gln)

Genes: GH-LCR (growth hormone locus control region; plus strand), SCN4A (sodium voltage-gated channel alpha subunit 4; minus strand). Cytogenetic location: 17q23.3.
Variant type: single nucleotide variant.
Coding change: c.2711C>A on transcript NM_000334.4 (MANE Select); coding-DNA position 2711, C replaced by A.
Protein change: p.Pro904Gln; replaces proline 904 with glutamine.
Molecular consequence: missense variant.
Genome position (GRCh38, 1-based): chr17:63,951,566, G>T on the plus strand (C>A on the coding strand, the complement: SCN4A is on the minus strand). VCF-style: chr17-63951566-G-T. GRCh37 (hg19) VCF-style: chr17-62028926-G-T.
Other names: short protein forms P904Q.
Identifiers: ClinVar variation 1369632 (VCV001369632.9), dbSNP rs867372759, ClinGen allele CA400625534.